The following is an entry in ClinVar:

NC_000008.10:g.(?_17941470)_(17941567_?)dup

Gene: ASAH1 (N-acylsphingosine amidohydrolase 1; minus strand). Cytogenetic location: 8p22.
Variant type: Duplication.
Identifiers: ClinVar variation 2427558 (VCV002427558.4).

ClinVar aggregate classification (germline): Uncertain significance (1 of 4 stars; one submission).

Submission:

Labcorp Genetics (formerly Invitae), Labcorp
Classification: Uncertain significance. Last evaluated: 2023-08-10. Review status: criteria provided, single submitter. Criteria: Invitae Variant Classification Sherloc (09022015). Collection method: clinical testing. Allele origin: germline.
Comment: This variant results in a copy number gain of the genomic region encompassing exon(s) 1 of the ASAH1 gene. This region includes the initiator codon of the gene. This copy number gain extends beyond the assayed region for this gene and therefore may encompass additional genes. As the precise location of this event is unknown, it may be in tandem or it may be located elsewhere in the genome. This variant has not been reported in the literature in individuals affected with ASAH1-related conditions. In summary, the available evidence is currently insufficient to determine the role of this variant in disease. Therefore, it has been classified as a Variant of Uncertain Significance.